The following is an entry in ClinVar:

NM_004370.6(COL12A1):c.4203_4204insTTTTTTTTTTTTTTTTTTTTNNNNNNNNNNACTATCCGCCACCGCGACAGGAACCACCCCCGCCTCGTACCGGTGCCAAACCAGAGCTATAGATCCAGGGAACCGAACAGCGCCCACAGAAAAACGGCCGCCGATCTACCACCATCGTTCTTTT (p.Arg1402delinsPhePhePhePhePhePheXaaXaaXaaXaaThrIleArgHisArgAspArgAsnHisProArgLeuValProValProAsnGlnSerTyrArgSerArgGluProAsnSerAlaHisArgLysThrAlaAlaAspLeuProProSerPhePheTer)

Gene: COL12A1 (collagen type XII alpha 1 chain; minus strand). Cytogenetic location: 6q13.
Variant type: Microsatellite.
Coding change: c.4203_4204insTTTTTTTTTTTTTTTTTTTTNNNNNNNNNNACTATCCGCCACCGCGACAGGAACCACCCCCGCCTCGTACCGGTGCCAAACCAGAGCTATAGATCCAGGGAACCGAACAGCGCCCACAGAAAAACGGCCGCCGATCTACCACCATCGTTCTTTT on transcript NM_004370.6 (MANE Select); coding-DNA positions 4203 to 4204, TTTTTTTTTTTTTTTTTTTTNNNNNNNNNNACTATCCGCCACCGCGACAGGAACCACCCCCGCCTCGTACCGGTGCCAAACCAGAGCTATAGATCCAGGGAACCGAACAGCGCCCACAGAAAAACGGCCGCCGATCTACCACCATCGTTCTTTT inserted.
Protein change: p.Arg1402delinsPhePhePhePhePhePheXaaXaaXaaXaaThrIleArgHisArgAspArgAsnHisProArgLeuValProValProAsnGlnSerTyrArgSerArgGluProAsnSerAlaHisArgLysThrAlaAlaAspLeuProProSerPhePheTer.
Molecular consequence: nonsense.
Genome position: GRCh38: chr6:75,148,442-75,148,454. GRCh37 (hg19), VCF-style position (the base before the change): chr6:75,858,157.
Other names: c.4203_4204insTTTTTTTTTTTTTTTTTTTTNNNNNNNNNNACTATCCGCCACCGCGACAGGAACCACCCCCGCCTCGTACCGGTGCCAAACCAGAGCTATAGATCCAGGGAACCGAACAGCGCCCACAGAAAAACGGCCGCCGATCTACCACCATCGTTCTTTT, p.Arg1402delinsPhePhePhePhePhePheXaaXaaXaaXaaThrIleArgHisArgAspArgAsnHisProArgLeuValProValProAsnGlnSerTyrArgSerArgGluProAsnSerAlaHisArgLysThrAlaAlaAspLeuProProSerPhePheTer (NM_001424114.1, NM_001424113.1); c.3930_3931insTTTTTTTTTTTTTTTTTTTTNNNNNNNNNNACTATCCGCCACCGCGACAGGAACCACCCCCGCCTCGTACCGGTGCCAAACCAGAGCTATAGATCCAGGGAACCGAACAGCGCCCACAGAAAAACGGCCGCCGATCTACCACCATCGTTCTTTT, p.Arg1311delinsPhePhePhePhePhePheXaaXaaXaaXaaThrIleArgHisArgAspArgAsnHisProArgLeuValProValProAsnGlnSerTyrArgSerArgGluProAsnSerAlaHisArgLysThrAlaAlaAspLeuProProSerPhePheTer (NM_001424115.1); c.711_712insTTTTTTTTTTTTTTTTTTTTNNNNNNNNNNACTATCCGCCACCGCGACAGGAACCACCCCCGCCTCGTACCGGTGCCAAACCAGAGCTATAGATCCAGGGAACCGAACAGCGCCCACAGAAAAACGGCCGCCGATCTACCACCATCGTTCTTTT, p.Arg238delinsPhePhePhePhePhePheXaaXaaXaaXaaThrIleArgHisArgAspArgAsnHisProArgLeuValProValProAsnGlnSerTyrArgSerArgGluProAsnSerAlaHisArgLysThrAlaAlaAspLeuProProSerPhePheTer (NM_001424116.1, NM_080645.3).
Identifiers: ClinVar variation 3759197 (VCV003759197.2).

ClinVar aggregate classification (germline): Pathogenic (1 of 4 stars; one submission).

Conditions:
Ullrich congenital muscular dystrophy 2 (UCMD2). Identifiers: Orphanet 75840, MedGen C4225314, MONDO:0014654, OMIM 616470.
Bethlem myopathy 2 (BTHLM2). Identifiers: Orphanet 536516, Orphanet 610, MedGen C4225313, MONDO:0034022, OMIM 616471.

Submission:

Labcorp Genetics (formerly Invitae), Labcorp
Classification: Pathogenic for Bethlem myopathy 2; Ullrich congenital muscular dystrophy 2. Last evaluated: 2024-09-22. Review status: criteria provided, single submitter. Criteria: Invitae Variant Classification Sherloc (09022015). Collection method: clinical testing. Allele origin: germline.
Comment: This sequence change inserts a large fragment of DNA, likely a transposable element, in exon 22 of the COL12A1 gene (c.4203_4204ins?), causing a frameshift at codon 1401 (p.Phe1401fs). The exact size and sequence of the insertion cannot be determined by the current assay. However, the insertion is expected to result in an absent or disrupted protein product. This variant is not present in population databases (gnomAD no frequency). This variant has not been reported in the literature in individuals affected with COL12A1-related conditions. Retrotransposon insertions including LINE1 (L1), Alu, and SVA (SINE-VNTR-Alu) have been reported to be disease-causing through disruption of either a coding region or splice site (PMID: 19763152, 20307669, 22406018) and loss-of-function variants in COL12A1 are known to be pathogenic (PMID: 24334604, 28973083). For these reasons, this variant has been classified as Pathogenic.

Literature cited by the submitters: PubMed 19763152; PubMed 20307669; PubMed 22406018; PubMed 24334604; PubMed 28973083.